The following is an entry in ClinVar:

NM_000260.4(MYO7A):c.1195G>A (p.Val399Ile)

Gene: MYO7A (myosin VIIA; plus strand). Cytogenetic location: 11q13.5.
Variant type: single nucleotide variant.
Coding change: c.1195G>A on transcript NM_000260.4 (MANE Select); coding-DNA position 1195, G replaced by A.
Protein change: p.Val399Ile; replaces valine 399 with isoleucine.
Molecular consequence: missense variant.
Genome position (GRCh38, 1-based): chr11:77,160,277, G>A. VCF-style: chr11-77160277-G-A. GRCh37 (hg19) VCF-style: chr11-76871323-G-A.
Other names: c.1195G>A, p.Val399Ile (NM_001127180.2); c.1162G>A, p.Val388Ile (NM_001369365.1); short protein forms V399I, V388I.
Identifiers: ClinVar variation 666883 (VCV000666883.17), dbSNP rs1162724549, ClinGen allele CA381934682.

ClinVar aggregate classification (germline): Uncertain significance. Review status: criteria provided, multiple submitters, no conflicts (2 of 4 stars). 5 submissions from 5 submitters: Uncertain significance (4). 1 of the submissions does not count toward it. Last evaluated 2023-11-24.

Conditions:
Usher syndrome type 1B (USH1B). Also called: Usher syndrome type IB. Identifiers: MedGen C1848638, MONDO:0700087.

Allele frequency attached by ClinVar (database versions not stated): TOPMed below 0.00001; gnomAD 0.00001; gnomAD exomes 0.00001 and 0.00002.

Submissions (5):

Labcorp Genetics (formerly Invitae), Labcorp
Classification: Uncertain significance. Last evaluated: 2023-11-24. Review status: criteria provided, single submitter. Criteria: Invitae Variant Classification Sherloc (09022015). Collection method: clinical testing. Allele origin: germline.
Comment: This sequence change replaces valine, which is neutral and non-polar, with isoleucine, which is neutral and non-polar, at codon 399 of the MYO7A protein (p.Val399Ile). The frequency data for this variant in the population databases is considered unreliable, as metrics indicate poor data quality at this position in the gnomAD database. This variant has not been reported in the literature in individuals affected with MYO7A-related conditions. ClinVar contains an entry for this variant (Variation ID: 666883). Advanced modeling of protein sequence and biophysical properties (such as structural, functional, and spatial information, amino acid conservation, physicochemical variation, residue mobility, and thermodynamic stability) performed at Invitae indicates that this missense variant is not expected to disrupt MYO7A protein function with a negative predictive value of 95%. In summary, the available evidence is currently insufficient to determine the role of this variant in disease. Therefore, it has been classified as a Variant of Uncertain Significance.

ARUP Laboratories, Molecular Genetics and Genomics, ARUP Laboratories
Classification: Uncertain significance. Last evaluated: 2019-08-01. Review status: criteria provided, single submitter. Criteria: ARUP Molecular Germline Variant Investigation Process. Collection method: clinical testing. Allele origin: germline.
Comment: The MYO7A c.1195G>A; p.Val399Ile variant, to our knowledge, is not reported in the medical literature or gene specific databases. This variant is found in the general population with an overall allele frequency of 0.0026% (5/193,980 alleles) in the Genome Aggregation Database. The valine at codon 399 is moderately conserved, and computational analyses (SIFT: damaging, PolyPhen-2: benign) predict conflicting effects of this variant on protein structure/function. Due to limited information, the clinical significance of this variant is uncertain at this time.

Blueprint Genetics
Classification: Uncertain significance. Last evaluated: 2018-10-12. Review status: criteria provided, single submitter. Criteria: ACMG Guidelines, 2015. Collection method: clinical testing. Allele origin: germline.

Laboratory for Molecular Medicine, Mass General Brigham Personalized Medicine
Classification: Uncertain significance. Last evaluated: 2018-07-03. Review status: criteria provided, single submitter. Criteria: LMM Criteria. Collection method: clinical testing. Allele origin: germline. Observed: 1 variant allele.
Comment: The p.Val399Ile variant in MYO7A has not been previously reported in individuals with hearing loss or Usher syndrome. This variant has been identified in 1/871 2 African chromosomes by the Genome Aggregation Database (gnomAD.). Computational prediction tools and conservation analyses su ggest that this variant may not impact the protein, though this information is n ot predictive enough to rule out pathogenicity. In summary, the clinical signifi cance of the p.Val399Ile variant is uncertain. ACMG/AMP Criteria applied: BP4, PM2_Supporting.

Natera, Inc.
Classification: Uncertain significance for Usher syndrome type 1B. Last evaluated: 2020-11-02. Review status: no assertion criteria provided. Collection method: clinical testing. Allele origin: germline. Not counted in ClinVar's aggregate classification.